The following is an entry in ClinVar:

NM_053025.4(MYLK):c.845A>G (p.Glu282Gly)

Gene: MYLK (myosin light chain kinase; minus strand). Cytogenetic location: 3q21.1.
Variant type: single nucleotide variant.
Coding change: c.845A>G on transcript NM_053025.4 (MANE Select); coding-DNA position 845, A replaced by G.
Protein change: p.Glu282Gly; replaces glutamic acid 282 with glycine.
Molecular consequence: missense variant.
Genome position (GRCh38, 1-based): chr3:123,734,151, T>C on the plus strand (A>G on the coding strand, the complement: MYLK is on the minus strand). VCF-style: chr3-123734151-T-C. GRCh37 (hg19) VCF-style: chr3-123452998-T-C.
Other names: c.845A>G, p.Glu282Gly (NM_053027.4, NM_053028.4, NM_053026.4); c.317A>G, p.Glu106Gly (NM_001321309.2); short protein forms E282G, E106G.
Identifiers: ClinVar variation 575941 (VCV000575941.9), dbSNP rs1560148831, ClinGen allele CA354240029.

ClinVar aggregate classification (germline): Uncertain significance. Review status: criteria provided, multiple submitters, no conflicts (2 of 4 stars). 2 submissions from 2 submitters: Uncertain significance (2). Last evaluated 2022-12-07.

Conditions:
Aortic aneurysm, familial thoracic 7 (AAT7). Also called: AORTIC DISSECTION, FAMILIAL, WITH OR WITHOUT AORTIC ANEURYSM. Identifiers: MedGen C3151077, MONDO:0013418, OMIM 613780.

Submissions (2):

Labcorp Genetics (formerly Invitae), Labcorp
Classification: Uncertain significance for Aortic aneurysm, familial thoracic 7. Last evaluated: 2022-12-07. Review status: criteria provided, single submitter. Criteria: Invitae Variant Classification Sherloc (09022015). Collection method: clinical testing. Allele origin: germline.
Comment: In summary, the available evidence is currently insufficient to determine the role of this variant in disease. Therefore, it has been classified as a Variant of Uncertain Significance. Advanced modeling of protein sequence and biophysical properties (such as structural, functional, and spatial information, amino acid conservation, physicochemical variation, residue mobility, and thermodynamic stability) performed at Invitae indicates that this missense variant is not expected to disrupt MYLK protein function. ClinVar contains an entry for this variant (Variation ID: 575941). This variant has not been reported in the literature in individuals affected with MYLK-related conditions. This variant is not present in population databases (gnomAD no frequency). This sequence change replaces glutamic acid, which is acidic and polar, with glycine, which is neutral and non-polar, at codon 282 of the MYLK protein (p.Glu282Gly).

GeneDx
Classification: Uncertain significance. Last evaluated: 2022-05-27. Review status: criteria provided, single submitter. Criteria: GeneDx Variant Classification Process June 2021. Collection method: clinical testing. Allele origin: germline. Affected: yes.
Comment: Not observed at significant frequency in large population cohorts (gnomAD); In silico analysis supports that this missense variant does not alter protein structure/function; Has not been previously published as pathogenic or benign to our knowledge